The following is an entry in ClinVar:

ClinVar aggregate classification (germline): Likely pathogenic (1 of 4 stars; one submission).

Conditions:
Combined oxidative phosphorylation defect type 17. Also called: Combined oxidative phosphorylation deficiency 17. Identifiers: Orphanet 369913, MedGen C3809526, MONDO:0014190, OMIM 615440.

Allele frequency attached by ClinVar (database versions not stated): gnomAD exomes below 0.00001; gnomAD 0.00001.
gnomAD v4.1: 3 of 1,612,978 alleles (0.00019%); highest among the groups gnomAD compares: Non-Finnish European, 0.00025%; no homozygotes.

Submission:

Labcorp Genetics (formerly Invitae), Labcorp
Classification: Likely pathogenic for Combined oxidative phosphorylation defect type 17. Last evaluated: 2023-06-20. Review status: criteria provided, single submitter. Criteria: Invitae Variant Classification Sherloc (09022015). Collection method: clinical testing. Allele origin: germline.
Comment: In summary, the currently available evidence indicates that the variant is pathogenic, but additional data are needed to prove that conclusively. Therefore, this variant has been classified as Likely Pathogenic. Algorithms developed to predict the effect of sequence changes on RNA splicing suggest that this variant may disrupt the consensus splice site. This variant has not been reported in the literature in individuals affected with ELAC2-related conditions. This variant is present in population databases (no rsID available, gnomAD 0.007%). This sequence change affects an acceptor splice site in intron 16 of the ELAC2 gene. It is expected to disrupt RNA splicing. Variants that disrupt the donor or acceptor splice site typically lead to a loss of protein function (PMID: 16199547), and loss-of-function variants in ELAC2 are known to be pathogenic (PMID: 27769300, 31045291).

Literature cited by the submitters: PubMed 16199547; PubMed 27769300; PubMed 31045291.

NM_018127.7(ELAC2):c.1521-2A>G

Gene: ELAC2 (elaC ribonuclease Z 2; minus strand). Cytogenetic location: 17p12.
Variant type: single nucleotide variant.
Coding change: c.1521-2A>G on transcript NM_018127.7 (MANE Select); the canonical splice acceptor site of the intron before coding-DNA position 1521, A replaced by G.
Molecular consequence: splice acceptor variant.
Genome position (GRCh38, 1-based): chr17:12,996,687, T>C on the plus strand (A>G on the coding strand, the complement: ELAC2 is on the minus strand). VCF-style: chr17-12996687-T-C. GRCh37 (hg19) VCF-style: chr17-12900004-T-C.
Other names: c.1401-2A>G (NM_001165962.2); c.1518-2A>G (NM_173717.2).
Identifiers: ClinVar variation 2719458 (VCV002719458.3), dbSNP rs1462960034, ClinGen allele CA398224225.